The following is an entry in ClinVar:

ClinVar aggregate classification (germline): Likely benign (1 of 4 stars; one submission).

Conditions:
SETD2-related disorder.

gnomAD v4.1: 3 of 1,614,022 alleles (0.00019%); highest among the groups gnomAD compares: East Asian, 0.0022%; no homozygotes.

Submission:

PreventionGenetics, part of Exact Sciences
Classification: Likely benign for SETD2-related condition. Last evaluated: 2025-12-01. Review status: criteria provided, single submitter. Criteria: ACMG Guidelines, 2015. Collection method: clinical testing. Allele origin: germline.
Comment: This variant is classified as likely benign based on ACMG/AMP sequence variant interpretation guidelines (Richards et al. 2015 PMID: 25741868, with internal and published modifications).

NM_014159.7(SETD2):c.1626G>T (p.Gly542=)

Gene: SETD2 (SET domain containing 2, histone lysine methyltransferase; minus strand). Cytogenetic location: 3p21.31.
Variant type: single nucleotide variant.
Coding change: c.1626G>T on transcript NM_014159.7 (MANE Select); coding-DNA position 1626, G replaced by T.
Protein change: p.Gly542=; no amino-acid change (glycine 542 retained).
Molecular consequence: synonymous variant. On other transcripts: non-coding transcript variant (1).
Genome position (GRCh38, 1-based): chr3:47,123,010, C>A on the plus strand (G>T on the coding strand, the complement: SETD2 is on the minus strand). VCF-style: chr3-47123010-C-A. GRCh37 (hg19) VCF-style: chr3-47164500-C-A.
Other names: c.1494G>T, p.Gly498= (NM_001349370.3).
Identifiers: ClinVar variation 4984768 (VCV004984768.1).